The following is an entry in ClinVar:

NM_003737.4(DCHS1):c.9794C>T (p.Ser3265Leu)

Gene: DCHS1 (dachsous cadherin-related 1; minus strand). Cytogenetic location: 11p15.4.
Variant type: single nucleotide variant.
Coding change: c.9794C>T on transcript NM_003737.4 (MANE Select); coding-DNA position 9794, C replaced by T.
Protein change: p.Ser3265Leu; replaces serine 3265 with leucine.
Molecular consequence: missense variant.
Genome position (GRCh38, 1-based): chr11:6,621,882, G>A on the plus strand (C>T on the coding strand, the complement: DCHS1 is on the minus strand). VCF-style: chr11-6621882-G-A. GRCh37 (hg19) VCF-style: chr11-6643113-G-A.
Other names: short protein forms S3265L.
Identifiers: ClinVar variation 1313304 (VCV001313304.3), dbSNP rs768054914, ClinGen allele CA5859178.

ClinVar aggregate classification (germline): Uncertain significance. Review status: criteria provided, multiple submitters, no conflicts (2 of 4 stars). 2 submissions from 2 submitters: Uncertain significance (2). Last evaluated 2025-05-30.

Allele frequency attached by ClinVar (database versions not stated): gnomAD exomes below 0.00001; ExAC 0.00001; gnomAD 0.00001.
gnomAD v4.1: 6 of 1,612,340 alleles (0.00037%); highest among the groups gnomAD compares: Non-Finnish European, 0.00051%; no homozygotes.

Submissions (2):

Labcorp Genetics (formerly Invitae), Labcorp
Classification: Uncertain significance. Last evaluated: 2025-05-30. Review status: criteria provided, single submitter. Criteria: Invitae Variant Classification Sherloc (09022015). Collection method: clinical testing. Allele origin: germline.
Comment: This sequence change replaces serine, which is neutral and polar, with leucine, which is neutral and non-polar, at codon 3265 of the DCHS1 protein (p.Ser3265Leu). This variant is present in population databases (rs768054914, gnomAD 0.002%). This variant has not been reported in the literature in individuals affected with DCHS1-related conditions. ClinVar contains an entry for this variant (Variation ID: 1313304). Invitae Evidence Modeling of protein sequence and biophysical properties (such as structural, functional, and spatial information, amino acid conservation, physicochemical variation, residue mobility, and thermodynamic stability) indicates that this missense variant is not expected to disrupt DCHS1 protein function with a negative predictive value of 95%. In summary, the available evidence is currently insufficient to determine the role of this variant in disease. Therefore, it has been classified as a Variant of Uncertain Significance.

GeneDx
Classification: Uncertain significance. Last evaluated: 2020-10-12. Review status: criteria provided, single submitter. Criteria: GeneDx Variant Classification Process June 2021. Collection method: clinical testing. Allele origin: germline. Affected: yes.
Comment: Not observed at a significant frequency in large population cohorts (Lek et al., 2016); In silico analysis supports that this missense variant has a deleterious effect on protein structure/function; Has not been previously published as pathogenic or benign to our knowledge